The following is an entry in ClinVar:

ClinVar aggregate classification (germline): Conflicting classifications of pathogenicity. Review status: criteria provided, conflicting classifications (1 of 4 stars). 4 submissions from 4 submitters: Likely pathogenic (1); Uncertain significance (3). Last evaluated 2025-12-09.

Conditions:
Ornithine aminotransferase deficiency (GACR). Also called: OKT DEFICIENCY; HYPERORNITHINEMIA WITH GYRATE ATROPHY OF CHOROID AND RETINA; OAT DEFICIENCY; Ornithine ketoacid aminotransferase deficiency; Gyrate atrophy; Gyrate atrophy of choroid and retina. Identifiers: Orphanet 414, MedGen C0018425, MONDO:0009796, OMIM 258870.
OAT-related disorder. Also called: OAT-related condition.

Allele frequency attached by ClinVar (database versions not stated): TOPMed below 0.00001; gnomAD exomes 0.00001 and 0.00002; ExAC 0.00002.

Submissions (4):

Labcorp Genetics (formerly Invitae), Labcorp
Classification: Likely pathogenic for Ornithine aminotransferase deficiency. Last evaluated: 2025-12-09. Review status: criteria provided, single submitter. Criteria: Invitae Variant Classification Sherloc (09022015). Collection method: clinical testing. Allele origin: germline.
Comment: This sequence change replaces proline, which is neutral and non-polar, with serine, which is neutral and polar, at codon 417 of the OAT protein (p.Pro417Ser). This variant is present in population databases (rs763915205, gnomAD 0.02%). This variant has not been reported in the literature in individuals affected with OAT-related conditions. ClinVar contains an entry for this variant (Variation ID: 1466306). Invitae Evidence Modeling of protein sequence and biophysical properties (such as structural, functional, and spatial information, amino acid conservation, physicochemical variation, residue mobility, and thermodynamic stability) has been performed for this missense variant. However, the output from this modeling did not meet the statistical confidence thresholds required to predict the impact of this variant on OAT protein function. This variant disrupts the p.Pro417 amino acid residue in OAT. Other variant(s) that disrupt this residue have been determined to be pathogenic (PMID: 1737786, 23076989; internal data). This suggests that this residue is clinically significant, and that variants that disrupt this residue are likely to be disease-causing. In summary, the currently available evidence indicates that the variant is pathogenic, but additional data are needed to prove that conclusively. Therefore, this variant has been classified as Likely Pathogenic.

GeneDx
Classification: Uncertain significance. Last evaluated: 2025-06-10. Review status: criteria provided, single submitter. Criteria: GeneDx Variant Classification Process June 2021. Collection method: clinical testing. Allele origin: germline.
Comment: In silico analysis supports that this missense variant has a deleterious effect on protein structure/function; Has not been previously published as pathogenic or benign to our knowledge

PreventionGenetics, part of Exact Sciences
Classification: Uncertain significance for OAT-related condition. Last evaluated: 2023-05-25. Review status: criteria provided, single submitter. Criteria: ACMG Guidelines, 2015. Collection method: clinical testing. Allele origin: germline.
Comment: The OAT c.1249C>T variant is predicted to result in the amino acid substitution p.Pro417Ser. To our knowledge, this variant has not been reported in the literature. A different substitution of this amino acid (p.Pro417Leu) has been reported in individuals with gyrate atrophy of choroid and retina (Doimo et al. 2012. PubMed ID: 23076989; Brody et al. 1992. PubMed ID: 1737786; Bell et al. 2021. PubMed ID: 33494148). This variant is reported in 0.016% of alleles in individuals of South Asian descent in gnomAD. Although we suspect that this variant may be pathogenic, at this time, the clinical significance of this variant is uncertain due to the absence of conclusive functional and genetic evidence.

Department of Pathology and Laboratory Medicine, Sinai Health System
Classification: Uncertain significance for Ornithine aminotransferase deficiency. Last evaluated: 2023-05-09. Review status: criteria provided, single submitter. Criteria: ACMG Guidelines, 2015. Collection method: research. Allele origin: germline.

Literature cited by the submitters: PubMed 1737786 (cited by Labcorp Genetics (formerly Invitae), Labcorp); PubMed 23076989 (cited by Labcorp Genetics (formerly Invitae), Labcorp).

NM_000274.4(OAT):c.1249C>T (p.Pro417Ser)

Gene: OAT (ornithine aminotransferase; minus strand). Cytogenetic location: 10q26.13.
Variant type: single nucleotide variant.
Coding change: c.1249C>T on transcript NM_000274.4 (MANE Select); coding-DNA position 1249, C replaced by T.
Protein change: p.Pro417Ser; replaces proline 417 with serine.
Molecular consequence: missense variant.
Genome position (GRCh38, 1-based): chr10:124,398,013, G>A on the plus strand (C>T on the coding strand, the complement: OAT is on the minus strand). VCF-style: chr10-124398013-G-A. GRCh37 (hg19) VCF-style: chr10-126086582-G-A.
Other names: c.1249C>T (NM_000274.3); c.835C>T, p.Pro279Ser (NM_001171814.2); c.1249C>T, p.Pro417Ser (NM_001322965.2, NM_001322966.2, NM_001322967.2 and 3 more transcripts); c.928C>T, p.Pro310Ser (NM_001322971.2); c.649C>T, p.Pro217Ser (NM_001322974.2); short protein forms P310S, P217S, P279S, P417S.
Identifiers: ClinVar variation 1466306 (VCV001466306.10), dbSNP rs763915205, ClinGen allele CA5733284.